The following is an entry in ClinVar:

ClinVar aggregate classification (germline): Uncertain significance. Review status: criteria provided, multiple submitters, no conflicts (2 of 4 stars). 2 submissions from 2 submitters: Uncertain significance (2). Last evaluated 2025-08-18.

Conditions:
Inborn genetic diseases. Identifiers: MedGen C0950123, MeSH D030342.

gnomAD v4.1: 30 of 1,614,028 alleles (0.0019%); highest among the groups gnomAD compares: African/African-American, 0.004%; no homozygotes.

Submissions (2):

Labcorp Genetics (formerly Invitae), Labcorp
Classification: Uncertain significance. Last evaluated: 2025-08-18. Review status: criteria provided, single submitter. Criteria: Invitae Variant Classification Sherloc (09022015). Collection method: clinical testing. Allele origin: germline.
Comment: This sequence change replaces isoleucine, which is neutral and non-polar, with valine, which is neutral and non-polar, at codon 368 of the FOCAD protein (p.Ile368Val). This variant is present in population databases (rs368111521, gnomAD 0.007%). This variant has not been reported in the literature in individuals affected with FOCAD-related conditions. An algorithm developed to predict the effect of missense changes on protein structure and function outputs the following: PolyPhen-2: "Not Available". The valine amino acid residue is found in multiple mammalian species, which suggests that this missense change does not adversely affect protein function. In summary, the available evidence is currently insufficient to determine the role of this variant in disease. Therefore, it has been classified as a Variant of Uncertain Significance.

Ambry Genetics
Classification: Uncertain significance for Inborn genetic diseases. Last evaluated: 2025-07-15. Review status: criteria provided, single submitter. Criteria: Ambry Variant Classification Scheme 2023. Collection method: clinical testing. Allele origin: germline.

NM_001375567.1(FOCAD):c.1102A>G (p.Ile368Val)

Gene: FOCAD (focadhesin; plus strand). Cytogenetic location: 9p21.3.
Variant type: single nucleotide variant.
Coding change: c.1102A>G on transcript NM_001375567.1 (MANE Select); coding-DNA position 1102, A replaced by G.
Protein change: p.Ile368Val; replaces isoleucine 368 with valine.
Molecular consequence: missense variant.
Genome position (GRCh38, 1-based): chr9:20,781,834, A>G. VCF-style: chr9-20781834-A-G. GRCh37 (hg19) VCF-style: chr9-20781833-A-G.
Other names: c.1102A>G, p.Ile368Val (NM_001375568.1, NM_017794.5); c.997A>G, p.Ile333Val (NM_001375570.1); short protein forms I333V, I368V.
Identifiers: ClinVar variation 4258892 (VCV004258892.2).